The following is an entry in ClinVar:

ClinVar aggregate classification (germline): Likely benign (0 of 4 stars; one submission).

Conditions:
UNC13A-related disorder. Also called: UNC13A-related condition.

Allele frequency attached by ClinVar (database versions not stated): gnomAD 0.00001; ExAC 0.00009.
gnomAD v4.1: 73 of 1,552,086 alleles (0.0047%); highest among the groups gnomAD compares: Middle Eastern, 0.033%; no homozygotes.

Submission:

PreventionGenetics, part of Exact Sciences
Classification: Likely benign for UNC13A-related condition. Last evaluated: 2024-01-11. Review status: no assertion criteria provided. Collection method: clinical testing. Allele origin: germline.
Comment: This variant is classified as likely benign based on ACMG/AMP sequence variant interpretation guidelines (Richards et al. 2015 PMID: 25741868, with internal and published modifications).

NM_001080421.3(UNC13A):c.3627C>T (p.Pro1209=)

Gene: UNC13A (unc-13 homolog A; minus strand). Cytogenetic location: 19p13.11.
Variant type: single nucleotide variant.
Coding change: c.3627C>T on transcript NM_001080421.3 (MANE Select); coding-DNA position 3627, C replaced by T.
Protein change: p.Pro1209=; no amino-acid change (proline 1209 retained).
Molecular consequence: synonymous variant.
Genome position (GRCh38, 1-based): chr19:17,630,187, G>A on the plus strand (C>T on the coding strand, the complement: UNC13A is on the minus strand). VCF-style: chr19-17630187-G-A. GRCh37 (hg19) VCF-style: chr19-17740996-G-A.
Other names: c.3621C>T, p.Pro1207= (NM_001387021.1, NM_001387022.1, NM_001387023.1).
Identifiers: ClinVar variation 3047185 (VCV003047185.2), dbSNP rs750164596, ClinGen allele CA9297949.